The following is an entry in ClinVar:

ClinVar aggregate classification (germline): Uncertain significance. Review status: criteria provided, multiple submitters, no conflicts (2 of 4 stars). 2 submissions from 2 submitters: Uncertain significance (2). Last evaluated 2026-01-14.

Conditions:
Inborn genetic diseases. Identifiers: MedGen C0950123, MeSH D030342.
Pulmonary fibrosis and/or bone marrow failure, Telomere-related, 3. Also called: PULMONARY FIBROSIS AND/OR BONE MARROW FAILURE SYNDROME, TELOMERE-RELATED, 3. Identifiers: Orphanet 2032, MedGen C4225346, MONDO:0014613, OMIM 616373.
Dyskeratosis congenita, autosomal recessive 5 (DKCB5). Identifiers: MedGen C3554656, MONDO:0014076, OMIM 615190.

Allele frequency attached by ClinVar (database versions not stated): TOPMed below 0.00001; gnomAD exomes below 0.00001.
gnomAD v4.1: 5 of 1,607,570 alleles (0.00031%); highest among the groups gnomAD compares: Non-Finnish European, 0.00025%; no homozygotes.

Submissions (2):

Labcorp Genetics (formerly Invitae), Labcorp
Classification: Uncertain significance for Dyskeratosis congenita, autosomal recessive 5; Pulmonary fibrosis and/or bone marrow failure, Telomere-related, 3. Last evaluated: 2026-01-14. Review status: criteria provided, single submitter. Criteria: Invitae Variant Classification Sherloc (09022015). Collection method: clinical testing. Allele origin: germline.
Comment: This sequence change replaces lysine, which is basic and polar, with arginine, which is basic and polar, at codon 790 of the RTEL1 protein (p.Lys790Arg). This variant is present in population databases (rs200521508, gnomAD 0.003%). This missense change has been observed in individual(s) with clinical features of RTEL1-related conditions (PMID: 37944684). ClinVar contains an entry for this variant (Variation ID: 2566300). An algorithm developed to predict the effect of missense changes on protein structure and function outputs the following: PolyPhen-2: "Benign". The arginine amino acid residue is found in multiple mammalian species, which suggests that this missense change does not adversely affect protein function. In summary, the available evidence is currently insufficient to determine the role of this variant in disease. Therefore, it has been classified as a Variant of Uncertain Significance.

Ambry Genetics
Classification: Uncertain significance for Inborn genetic diseases. Last evaluated: 2024-09-25. Review status: criteria provided, single submitter. Criteria: Ambry Variant Classification Scheme 2023. Collection method: clinical testing. Allele origin: germline.

Literature cited by the submitters: PubMed 37944684 (cited by Labcorp Genetics (formerly Invitae), Labcorp).

NM_001283009.2(RTEL1):c.2369A>G (p.Lys790Arg)

Genes: RTEL1 (regulator of telomere elongation helicase 1; plus strand), RTEL1-TNFRSF6B (RTEL1-TNFRSF6B readthrough (NMD candidate); plus strand). Cytogenetic location: 20q13.33.
Variant type: single nucleotide variant.
Coding change: c.2369A>G on transcript NM_001283009.2 (MANE Select); coding-DNA position 2369, A replaced by G.
Protein change: p.Lys790Arg; replaces lysine 790 with arginine.
Molecular consequence: missense variant. On other transcripts: non-coding transcript variant (1).
Genome position (GRCh38, 1-based): chr20:63,690,397, A>G. VCF-style: chr20-63690397-A-G. GRCh37 (hg19) VCF-style: chr20-62321750-A-G.
Other names: c.1700A>G, p.Lys567Arg (NM_001283010.1); c.2369A>G, p.Lys790Arg (NM_016434.4); c.2441A>G, p.Lys814Arg (NM_032957.5); short protein forms K567R, K814R, K790R.
Identifiers: ClinVar variation 2566300 (VCV002566300.6), dbSNP rs200521508, ClinGen allele CA317516155.